The following is an entry in ClinVar:

ClinVar aggregate classification (germline): Pathogenic/Likely pathogenic. Review status: criteria provided, multiple submitters, no conflicts (2 of 4 stars). 4 submissions from 4 submitters: Pathogenic (1); Likely pathogenic (3). Last evaluated 2026-01-30.

Conditions:
Leukodystrophy. Identifiers: Orphanet 68356, MedGen C0023520, MONDO:0019046, HP:0002415.
Leukodystrophy, hypomyelinating, 7, with or without oligodontia and/or hypogonadotropic hypogonadism (HLD7). Also called: LEUKOENCEPHALOPATHY, HYPOMYELINATING, WITH ATAXIA AND DELAYED DENTITION; ATAXIA, DELAYED DENTITION, AND HYPOMYELINATION; LEUKODYSTROPHY, HYPOMYELINATING, 7, WITH OLIGODONTIA; LEUKODYSTROPHY, HYPOMYELINATING, 7, WITH OLIGODONTIA AND HYPOGONADOTROPIC HYPOGONADISM; LEUKODYSTROPHY, HYPOMYELINATING, 7, WITHOUT OLIGODONTIA OR HYPOGONADOTROPIC HYPOGONADISM; Ataxia, Delayed Dentition and Hypomyelination (ADDH). Identifiers: Orphanet 137639, Orphanet 447893, Orphanet 447896, Orphanet 77295, Orphanet 88637, MedGen CN034185, MONDO:0011897, OMIM 607694.

Allele frequency attached by ClinVar (database versions not stated): gnomAD exomes below 0.00001 and 0.00001; TOPMed 0.00002; ExAC 0.00001; gnomAD 0.00001.

Submissions (4):

Dasa
Classification: Likely pathogenic. Last evaluated: 2026-01-30. Review status: criteria provided, single submitter. Criteria: DASA Assertion Criteria. Collection method: clinical testing. Allele origin: germline.
Comment: NM_007055.4(POLR3A):c.1393C>T (p.Gln465*) is a nonsense variant in POLR3A predicted to introduce a premature termination codon and is predicted to result in an absent or altered protein product. Loss of function is an established disease mechanism for POLR3A-associated disorders. Also, this variant is rare in population databases. Based on the currently available evidence, this variant is classified as likely pathogenic.

Broad Center for Mendelian Genomics, Broad Institute of MIT and Harvard
Classification: Likely pathogenic for Leukodystrophy. Last evaluated: 2023-01-24. Review status: criteria provided, single submitter. Criteria: ACMG Guidelines, 2015. Collection method: curation. Allele origin: germline. Inheritance: Autosomal recessive inheritance.
Comment: The p.Gln465Ter variant in POLR3A has not been previously reported in the literature in individuals with hypomyelinating leukodystrophy, but has been identified in 0.006% (1/16252) of African/African American chromosomes by the Genome Aggregation Database (gnomAD; dbSNP ID: rs745418947). Although this variant has been seen in the general population in a heterozygous state, its frequency is low enough to be consistent with a recessive carrier frequency. This variant has also been reported in ClinVar (Variation ID#: 1385211) and has been interpreted as pathogenic by Invitae. This nonsense variant leads to a premature termination codon at position 465, which is predicted to lead to a truncated or absent protein. Loss of function of the POLR3A gene is an established disease mechanism in autosomal recessive hypomyelinating leukodystrophy. In summary, although additional studies are required to fully establish its clinical significance, this variant is likely pathogenic for autosomal recessive hypomyelinating leukodystrophy. ACMG/AMP Criteria applied: PVS1, PM2 (Richards 2015).

Laboratorio de Genetica e Diagnostico Molecular, Hospital Israelita Albert Einstein
Classification: Likely pathogenic for Leukodystrophy, hypomyelinating, 7, with or without oligodontia and/or hypogonadotropic hypogonadism. Last evaluated: 2022-12-23. Review status: criteria provided, single submitter. Criteria: ACMG Guidelines, 2015. Collection method: clinical testing. Allele origin: germline. Affected: yes. Observed: 1 variant allele.
Comment: ACMG classification criteria: PVS1 very strong, PM2 moderated

Labcorp Genetics (formerly Invitae), Labcorp
Classification: Pathogenic. Last evaluated: 2022-08-01. Review status: criteria provided, single submitter. Criteria: Invitae Variant Classification Sherloc (09022015). Collection method: clinical testing. Allele origin: germline.
Comment: ClinVar contains an entry for this variant (Variation ID: 1385211). For these reasons, this variant has been classified as Pathogenic. Algorithms developed to predict the effect of sequence changes on RNA splicing suggest that this variant may create or strengthen a splice site. This variant has not been reported in the literature in individuals affected with POLR3A-related conditions. This variant is present in population databases (rs745418947, gnomAD 0.007%). This sequence change creates a premature translational stop signal (p.Gln465*) in the POLR3A gene. It is expected to result in an absent or disrupted protein product. Loss-of-function variants in POLR3A are known to be pathogenic (PMID: 21855841, 25339210, 27612211, 30414627, 30450527).

Literature cited by the submitters: PubMed 21855841 (cited by Labcorp Genetics (formerly Invitae), Labcorp); PubMed 25339210 (cited by Labcorp Genetics (formerly Invitae), Labcorp); PubMed 27612211 (cited by Labcorp Genetics (formerly Invitae), Labcorp); PubMed 30414627 (cited by Labcorp Genetics (formerly Invitae), Labcorp); PubMed 30450527 (cited by Labcorp Genetics (formerly Invitae), Labcorp).

NM_007055.4(POLR3A):c.1393C>T (p.Gln465Ter)

Gene: POLR3A (RNA polymerase III subunit A; minus strand). Cytogenetic location: 10q22.3.
Variant type: single nucleotide variant.
Coding change: c.1393C>T on transcript NM_007055.4 (MANE Select); coding-DNA position 1393, C replaced by T.
Protein change: p.Gln465Ter; replaces glutamine 465 with a stop codon.
Molecular consequence: nonsense.
Genome position (GRCh38, 1-based): chr10:78,017,613, G>A on the plus strand (C>T on the coding strand, the complement: POLR3A is on the minus strand). VCF-style: chr10-78017613-G-A. GRCh37 (hg19) VCF-style: chr10-79777371-G-A.
Other names: NM_007055.4(POLR3A):c.1393C>T; p.Gln465Ter; short protein forms Q465*.
Identifiers: ClinVar variation 1385211 (VCV001385211.8), dbSNP rs745418947, ClinGen allele CA5571458.